The following is an entry in ClinVar:

NM_001114753.3(ENG):c.1096G>A (p.Asp366Asn)

Gene: ENG (endoglin; minus strand). Cytogenetic location: 9q34.11.
Variant type: single nucleotide variant.
Coding change: c.1096G>A on transcript NM_001114753.3 (MANE Select); coding-DNA position 1096, G replaced by A.
Protein change: p.Asp366Asn; replaces aspartic acid 366 with asparagine.
Molecular consequence: missense variant.
Genome position (GRCh38, 1-based): chr9:127,824,342, C>T on the plus strand (G>A on the coding strand, the complement: ENG is on the minus strand). VCF-style: chr9-127824342-C-T. GRCh37 (hg19) VCF-style: chr9-130586621-C-T.
Other names: c.1096G>A (NM_000118.2); c.1096G>A, p.Asp366Asn (NM_000118.4, NM_001406715.1); c.550G>A, p.Asp184Asn (NM_001278138.2); short protein forms D184N, D366N.
Identifiers: ClinVar variation 1356315 (VCV001356315.11), dbSNP rs1800956, ClinGen allele CA5252882.

ClinVar aggregate classification (germline): Conflicting classifications of pathogenicity. Review status: criteria provided, conflicting classifications (1 of 4 stars). 3 submissions from 3 submitters: Uncertain significance (2); Likely benign (1). Last evaluated 2025-02-13.

Conditions:
Hereditary hemorrhagic telangiectasia (HHT). Also called: ORW DISEASE; Osler Weber Rendu syndrome; OSLER-RENDU-WEBER DISEASE; Osler hemorrhagic telangiectasia syndrome. Identifiers: Orphanet 774, MedGen C0039445, MONDO:0019180. Disease mechanism: loss of function.
Telangiectasia, hereditary hemorrhagic, type 1 (HHT1). Also called: Osler Weber Rendu syndrome type 1; ENG-Related Hereditary Hemorrhagic Telangiectasia. Identifiers: Orphanet 774, MedGen C4551861, MONDO:0008535, OMIM 187300. Disease mechanism: loss of function.

gnomAD v4.1: 4 of 1,613,884 alleles (0.00025%); highest among the groups gnomAD compares: East Asian, 0.0022%; no homozygotes.

Submissions (3):

GeneDx
Classification: Uncertain significance. Last evaluated: 2025-02-13. Review status: criteria provided, single submitter. Criteria: GeneDx Variant Classification Process June 2021. Collection method: clinical testing. Allele origin: germline. Affected: yes.
Comment: Not observed at significant frequency in large population cohorts (gnomAD); In silico analysis indicates that this missense variant does not alter protein structure/function; Has not been previously published as pathogenic or benign to our knowledge

Labcorp Genetics (formerly Invitae), Labcorp
Classification: Likely benign for Hereditary hemorrhagic telangiectasia. Last evaluated: 2024-09-06. Review status: criteria provided, single submitter. Criteria: Invitae Variant Classification Sherloc (09022015). Collection method: clinical testing. Allele origin: germline.

Fulgent Genetics
Classification: Uncertain significance for Telangiectasia, hereditary hemorrhagic, type 1. Last evaluated: 2024-02-06. Review status: criteria provided, single submitter. Criteria: ACMG Guidelines, 2015. Collection method: clinical testing. Allele origin: germline.